The following is an entry in ClinVar:

NM_018139.3(DNAAF2):c.436T>G (p.Phe146Val)

Gene: DNAAF2 (dynein axonemal assembly factor 2; minus strand). Cytogenetic location: 14q21.3.
Variant type: single nucleotide variant.
Coding change: c.436T>G on transcript NM_018139.3 (MANE Select); coding-DNA position 436, T replaced by G.
Protein change: p.Phe146Val; replaces phenylalanine 146 with valine.
Molecular consequence: missense variant.
Genome position (GRCh38, 1-based): chr14:49,634,714, A>C on the plus strand (T>G on the coding strand, the complement: DNAAF2 is on the minus strand). VCF-style: chr14-49634714-A-C. GRCh37 (hg19) VCF-style: chr14-50101432-A-C.
Other names: c.436T>G, p.Phe146Val (NM_001083908.2); short protein forms F146V.
Identifiers: ClinVar variation 663679 (VCV000663679.10), dbSNP rs1207595112, ClinGen allele CA389631859.

ClinVar aggregate classification (germline): Uncertain significance. Review status: criteria provided, multiple submitters, no conflicts (2 of 4 stars). 2 submissions from 2 submitters: Uncertain significance (2). Last evaluated 2025-08-13.

Conditions:
Primary ciliary dyskinesia. Also called: Ciliary dyskinesia. Identifiers: Orphanet 244, MedGen C0008780, MONDO:0016575, HP:0012265.

Allele frequency attached by ClinVar (database versions not stated): gnomAD exomes below 0.00001 and 0.00001; TOPMed below 0.00001.
gnomAD v4.1: 9 of 1,606,098 alleles (0.00056%); highest among the groups gnomAD compares: Non-Finnish European, 0.00068%; no homozygotes.

Submissions (2):

Ambry Genetics
Classification: Uncertain significance for Primary ciliary dyskinesia. Last evaluated: 2025-08-13. Review status: criteria provided, single submitter. Criteria: Ambry Variant Classification Scheme 2023. Collection method: clinical testing. Allele origin: germline.

Labcorp Genetics (formerly Invitae), Labcorp
Classification: Uncertain significance for Primary ciliary dyskinesia. Last evaluated: 2018-07-06. Review status: criteria provided, single submitter. Criteria: Invitae Variant Classification Sherloc (09022015). Collection method: clinical testing. Allele origin: germline.
Comment: This variant is not present in population databases (ExAC no frequency). This sequence change replaces phenylalanine with valine at codon 146 of the DNAAF2 protein (p.Phe146Val). The phenylalanine residue is highly conserved and there is a small physicochemical difference between phenylalanine and valine. This variant has not been reported in the literature in individuals with DNAAF2-related disease. Algorithms developed to predict the effect of missense changes on protein structure and function are either unavailable or do not agree on the potential impact of this missense change (SIFT: "Deleterious"; PolyPhen-2: "Probably Damaging"; Align-GVGD: "Class C0"). In summary, the available evidence is currently insufficient to determine the role of this variant in disease. Therefore, it has been classified as a Variant of Uncertain Significance.